The following is an entry in ClinVar:

ClinVar aggregate classification (germline): Uncertain significance (1 of 4 stars; one submission).

Conditions:
Evans syndrome, immunodeficiency, and premature immunosenescence associated with tripeptidyl-peptidase II deficiency. Identifiers: MedGen CN231723. Disease mechanism: loss of function.

Allele frequency attached by ClinVar (database versions not stated): gnomAD exomes below 0.00001; gnomAD 0.00001.
gnomAD v4.1: 2 of 1,613,722 alleles (0.00012%); highest among the groups gnomAD compares: Admixed American, 0.0017%; no homozygotes.

Submission:

Labcorp Genetics (formerly Invitae), Labcorp
Classification: Uncertain significance for Evans syndrome, immunodeficiency, and premature immunosenescence associated with tripeptidyl-peptidase II deficiency. Last evaluated: 2020-06-21. Review status: criteria provided, single submitter. Criteria: Invitae Variant Classification Sherloc (09022015). Collection method: clinical testing. Allele origin: germline.
Comment: This variant has not been reported in the literature in individuals with TPP2-related conditions. In summary, the available evidence is currently insufficient to determine the role of this variant in disease. Therefore, it has been classified as a Variant of Uncertain Significance. Algorithms developed to predict the effect of missense changes on protein structure and function are either unavailable or do not agree on the potential impact of this missense change (SIFT: "Tolerated"; PolyPhen-2: "Probably Damaging"; Align-GVGD: "Class C0"). This variant is not present in population databases (ExAC no frequency). This sequence change replaces lysine with arginine at codon 1127 of the TPP2 protein (p.Lys1127Arg). The lysine residue is highly conserved and there is a small physicochemical difference between lysine and arginine.

NM_001330588.2(TPP2):c.3419A>G (p.Lys1140Arg)

Gene: TPP2 (tripeptidyl peptidase 2; plus strand). Cytogenetic location: 13q33.1.
Variant type: single nucleotide variant.
Coding change: c.3419A>G on transcript NM_001330588.2 (MANE Select); coding-DNA position 3419, A replaced by G.
Protein change: p.Lys1140Arg; replaces lysine 1140 with arginine.
Molecular consequence: missense variant. On other transcripts: non-coding transcript variant (1).
Genome position (GRCh38, 1-based): chr13:102,674,330, A>G. VCF-style: chr13-102674330-A-G. GRCh37 (hg19) VCF-style: chr13-103326680-A-G.
Other names: c.3506A>G, p.Lys1169Arg (NM_001367947.1); c.3380A>G, p.Lys1127Arg (NM_003291.4); short protein forms K1127R, K1140R, K1169R.
Identifiers: ClinVar variation 1005293 (VCV001005293.8), dbSNP rs1424534030, ClinGen allele CA388511797.